The following is an entry in ClinVar:

NM_015450.3(POT1):c.1082G>T (p.Arg361Leu)

Gene: POT1 (protection of telomeres 1; minus strand). Cytogenetic location: 7q31.33.
Variant type: single nucleotide variant.
Coding change: c.1082G>T on transcript NM_015450.3 (MANE Select); coding-DNA position 1082, G replaced by T.
Protein change: p.Arg361Leu; replaces arginine 361 with leucine.
Molecular consequence: missense variant. On other transcripts: non-coding transcript variant (3).
Genome position (GRCh38, 1-based): chr7:124,842,888, C>A on the plus strand (G>T on the coding strand, the complement: POT1 is on the minus strand). VCF-style: chr7-124842888-C-A. GRCh37 (hg19) VCF-style: chr7-124482942-C-A.
Other names: c.689G>T, p.Arg230Leu (NM_001042594.2); short protein forms R361L, R230L.
Identifiers: ClinVar variation 939491 (VCV000939491.10), dbSNP rs778352298, ClinGen allele CA166105670.

ClinVar aggregate classification (germline): Uncertain significance. Review status: criteria provided, multiple submitters, no conflicts (2 of 4 stars). 2 submissions from 2 submitters: Uncertain significance (2). Last evaluated 2022-12-07.

Conditions:
Tumor predisposition syndrome 3 (TPDS3). Also called: Glioma susceptibility 9; LONG TELOMERE SYNDROME, POT1-RELATED; POT1 Tumor Predisposition; Melanoma, cutaneous malignant, susceptibility to, 10. Identifiers: Orphanet 618, MedGen C4014476, MONDO:0014368, OMIM 615848.
Hereditary cancer-predisposing syndrome. Also called: Neoplastic Syndromes, Hereditary; Tumor predisposition; Hereditary Cancer Syndrome; Hereditary neoplastic syndrome. Identifiers: Orphanet 140162, MedGen C0027672, MeSH D009386, MONDO:0015356.

Allele frequency attached by ClinVar (database versions not stated): TOPMed 0.00001.
gnomAD v4.1: 1 of 1,610,418 alleles (0.000062%); highest among the groups gnomAD compares: Non-Finnish European, 0.000085%; no homozygotes.

Submissions (2):

Ambry Genetics
Classification: Uncertain significance for Hereditary cancer-predisposing syndrome. Last evaluated: 2022-12-07. Review status: criteria provided, single submitter. Criteria: Ambry Variant Classification Scheme 2023. Collection method: clinical testing. Allele origin: germline.
Comment: The p.R361L variant (also known as c.1082G>T), located in coding exon 9 of the POT1 gene, results from a G to T substitution at nucleotide position 1082. The arginine at codon 361 is replaced by leucine, an amino acid with dissimilar properties. This amino acid position is highly conserved in available vertebrate species. In addition, this alteration is predicted to be deleterious by in silico analysis. Since supporting evidence is limited at this time, the clinical significance of this alteration remains unclear.

Labcorp Genetics (formerly Invitae), Labcorp
Classification: Uncertain significance for Tumor predisposition syndrome 3. Last evaluated: 2021-08-28. Review status: criteria provided, single submitter. Criteria: Invitae Variant Classification Sherloc (09022015). Collection method: clinical testing. Allele origin: germline.
Comment: This variant is not present in population databases (ExAC no frequency). In summary, the available evidence is currently insufficient to determine the role of this variant in disease. Therefore, it has been classified as a Variant of Uncertain Significance. Algorithms developed to predict the effect of missense changes on protein structure and function are either unavailable or do not agree on the potential impact of this missense change (SIFT: "Deleterious"; PolyPhen-2: "Probably Damaging"; Align-GVGD: "Class C0"). This variant has not been reported in the literature in individuals affected with POT1-related conditions. This sequence change replaces arginine with leucine at codon 361 of the POT1 protein (p.Arg361Leu). The arginine residue is highly conserved and there is a moderate physicochemical difference between arginine and leucine.